The following is an entry in ClinVar:

NM_020937.4(FANCM):c.5239G>C (p.Asp1747His)

Gene: FANCM (FA complementation group M; plus strand). Cytogenetic location: 14q21.2.
Variant type: single nucleotide variant.
Coding change: c.5239G>C on transcript NM_020937.4 (MANE Select); coding-DNA position 5239, G replaced by C.
Protein change: p.Asp1747His; replaces aspartic acid 1747 with histidine.
Molecular consequence: missense variant.
Genome position (GRCh38, 1-based): chr14:45,189,261, G>C. VCF-style: chr14-45189261-G-C. GRCh37 (hg19) VCF-style: chr14-45658464-G-C.
Other names: c.5161G>C, p.Asp1721His (NM_001308133.2); short protein forms D1747H, D1721H.
Identifiers: ClinVar variation 2762229 (VCV002762229.4), dbSNP rs761373807, ClinGen allele CA389613056.

ClinVar aggregate classification (germline): Uncertain significance. Review status: criteria provided, multiple submitters, no conflicts (2 of 4 stars). 2 submissions from 2 submitters: Uncertain significance (2). Last evaluated 2024-12-12.

Conditions:
Inborn genetic diseases. Identifiers: MedGen C0950123, MeSH D030342.
Fanconi anemia (FA). Also called: Fanconi's anemia. Identifiers: Orphanet 84, MedGen C0015625, MeSH D005199, MONDO:0019391.

Submissions (2):

Ambry Genetics
Classification: Uncertain significance for Inborn genetic diseases. Last evaluated: 2024-12-12. Review status: criteria provided, single submitter. Criteria: Ambry Variant Classification Scheme 2023. Collection method: clinical testing. Allele origin: germline.
Comment: The p.D1747H variant (also known as c.5239G>C), located in coding exon 20 of the FANCM gene, results from a G to C substitution at nucleotide position 5239. The aspartic acid at codon 1747 is replaced by histidine, an amino acid with similar properties. This amino acid position is conserved. In addition, this alteration is predicted to be tolerated by in silico analysis. Based on the available evidence, the clinical significance of this variant remains unclear.

Labcorp Genetics (formerly Invitae), Labcorp
Classification: Uncertain significance for Fanconi anemia. Last evaluated: 2023-12-13. Review status: criteria provided, single submitter. Criteria: Invitae Variant Classification Sherloc (09022015). Collection method: clinical testing. Allele origin: germline.
Comment: This sequence change replaces aspartic acid, which is acidic and polar, with histidine, which is basic and polar, at codon 1747 of the FANCM protein (p.Asp1747His). This variant is not present in population databases (gnomAD no frequency). This variant has not been reported in the literature in individuals affected with FANCM-related conditions. An algorithm developed to predict the effect of missense changes on protein structure and function (PolyPhen-2) suggests that this variant is likely to be tolerated. In summary, the available evidence is currently insufficient to determine the role of this variant in disease. Therefore, it has been classified as a Variant of Uncertain Significance.